The following is an entry in ClinVar:

ClinVar aggregate classification (germline): Conflicting classifications of pathogenicity. Review status: criteria provided, conflicting classifications (1 of 4 stars). 2 submissions from 2 submitters: Uncertain significance (1); Likely benign (1). Last evaluated 2025-12-16.

Submissions (2):

Labcorp Genetics (formerly Invitae), Labcorp
Classification: Uncertain significance. Last evaluated: 2025-12-16. Review status: criteria provided, single submitter. Criteria: Invitae Variant Classification Sherloc (09022015). Collection method: clinical testing. Allele origin: germline.
Comment: This variant, c.963_968dup, results in the insertion of 2 amino acid(s) of the PRKCSH protein (p.Glu324_Glu325dup), but otherwise preserves the integrity of the reading frame. The frequency data for this variant in the population databases is considered unreliable, as metrics indicate poor data quality at this position in the gnomAD database. This variant has not been reported in the literature in individuals affected with PRKCSH-related conditions. Experimental studies and prediction algorithms are not available or were not evaluated, and the functional significance of this variant is currently unknown. In summary, the available evidence is currently insufficient to determine the role of this variant in disease. Therefore, it has been classified as a Variant of Uncertain Significance.

Blueprint Genetics
Classification: Likely benign. Last evaluated: 2024-09-11. Review status: criteria provided, single submitter. Criteria: ACMG Guidelines, 2015. Collection method: clinical testing. Allele origin: germline.

NM_001289104.2(PRKCSH):c.939GGA[12] (p.Glu325_Ala326insGluGlu)

Gene: PRKCSH (PRKCSH beta subunit of glucosidase II; plus strand). Cytogenetic location: 19p13.2.
Variant type: Microsatellite.
Coding change: c.939GGA[12] on transcript NM_001289104.2 (MANE Select); 12 copies in a row of the 3-base unit GGA starting at c.939; the reference has ten copies in a row; two copies, 6 bases duplicated.
Protein change: p.Glu325_Ala326insGluGlu.
Molecular consequence: inframe insertion.
Genome position (GRCh38, 1-based): chr19:11,447,552-11,447,557, GGAGGA duplicated; duplicating any 6 consecutive bases within chr19:11,447,526-11,447,557 gives the same sequence; the position shown is the placement nearest the transcript's 3' end. VCF-style (leftmost placement, unchanged base first): chr19-11447525-A-AGAGGAG. GRCh37 (hg19) VCF-style: chr19-11558340-A-AGAGGAG.
Other names: c.939GGA[12], p.Glu325_Ala326insGluGlu (NM_001001329.3, NM_001289102.2, NM_001289103.2 and 3 more transcripts).
Identifiers: ClinVar variation 2059757 (VCV002059757.5), dbSNP rs3217229, ClinGen allele CA305355924.